The following is an entry in ClinVar:

NM_002160.4(TNC):c.2940C>T (p.Asn980=)

Gene: TNC (tenascin C; minus strand). Cytogenetic location: 9q33.1.
Variant type: single nucleotide variant.
Coding change: c.2940C>T on transcript NM_002160.4 (MANE Select); coding-DNA position 2940, C replaced by T.
Protein change: p.Asn980=; no amino-acid change (asparagine 980 retained).
Molecular consequence: synonymous variant.
Genome position (GRCh38, 1-based): chr9:115,076,042, G>A on the plus strand (C>T on the coding strand, the complement: TNC is on the minus strand). VCF-style: chr9-115076042-G-A. GRCh37 (hg19) VCF-style: chr9-117838321-G-A.
Identifiers: ClinVar variation 1317382 (VCV001317382.5), dbSNP rs759747860, ClinGen allele CA5208371.

ClinVar aggregate classification (germline): Likely benign. Review status: criteria provided, multiple submitters, no conflicts (2 of 4 stars). 4 submissions from 4 submitters: Likely benign (3). 1 of the submissions does not count toward it. Last evaluated 2026-01-16.

Conditions:
TNC-related disorder. Also called: TNC-related condition.

Allele frequency attached by ClinVar (database versions not stated): gnomAD 0.00009 and 0.00010; ExAC 0.00011; gnomAD exomes 0.00008 and 0.00015; TOPMed 0.00008.
gnomAD v4.1: 126 of 1,613,964 alleles (0.0078%); highest among the groups gnomAD compares: Middle Eastern, 0.12%; no homozygotes.

Submissions (4):

Women's Health and Genetics/Laboratory Corporation of America, LabCorp
Classification: Likely benign. Last evaluated: 2026-01-16. Review status: criteria provided, single submitter. Criteria: LabCorp Variant Classification Summary - May 2015. Collection method: clinical testing. Allele origin: germline.
Comment: Variant summary: TNC c.2940C>T alters a conserved nucleotide resulting in a synonymous change. Consensus agreement among computation tools predict no significant impact on normal splicing. However, these predictions have yet to be confirmed by functional studies. The variant allele was found at a frequency of 0.00015 in 251454 control chromosomes. This frequency is not significantly higher than estimated for disease-causing variants in TNC, allowing no conclusion about variant significance. To our knowledge, no occurrence of c.2940C>T in individuals affected with TNC-related conditions and no experimental evidence demonstrating its impact on protein function have been reported. ClinVar contains an entry for this variant (Variation ID: 1317382). Based on the evidence outlined above, the variant was classified as likely benign.

Blueprint Genetics
Classification: Likely benign. Last evaluated: 2024-10-16. Review status: criteria provided, single submitter. Criteria: ACMG Guidelines, 2015. Collection method: clinical testing. Allele origin: germline.

GeneDx
Classification: Likely benign. Last evaluated: 2020-11-02. Review status: criteria provided, single submitter. Criteria: GeneDx Variant Classification Process June 2021. Collection method: clinical testing. Allele origin: germline. Affected: yes.

PreventionGenetics, part of Exact Sciences
Classification: Likely benign for TNC-related condition. Last evaluated: 2024-09-11. Review status: no assertion criteria provided. Collection method: clinical testing. Allele origin: germline. Not counted in ClinVar's aggregate classification.
Comment: This variant is classified as likely benign based on ACMG/AMP sequence variant interpretation guidelines (Richards et al. 2015 PMID: 25741868, with internal and published modifications).